The following is an entry in ClinVar:

ClinVar aggregate classification (germline): Uncertain significance (1 of 4 stars; one submission).

Conditions:
Hereditary cancer-predisposing syndrome. Also called: Tumor predisposition; Neoplastic Syndromes, Hereditary; Hereditary Cancer Syndrome; Hereditary neoplastic syndrome. Identifiers: Orphanet 140162, MedGen C0027672, MeSH D009386, MONDO:0015356.

Submission:

Ambry Genetics
Classification: Uncertain significance for Hereditary cancer-predisposing syndrome. Last evaluated: 2024-12-01. Review status: criteria provided, single submitter. Criteria: Ambry Variant Classification Scheme 2023. Collection method: clinical testing. Allele origin: germline.
Comment: The p.S886F variant (also known as c.2657C>T), located in coding exon 9 of the BRCA1 gene, results from a C to T substitution at nucleotide position 2657. The serine at codon 886 is replaced by phenylalanine, an amino acid with highly dissimilar properties. This amino acid position is conserved. In addition, this alteration is predicted to be tolerated by in silico analysis. Based on the available evidence, the clinical significance of this variant remains unclear.

NM_007294.4(BRCA1):c.2657C>T (p.Ser886Phe)

Gene: BRCA1 (BRCA1 DNA repair associated; minus strand). Cytogenetic location: 17q21.31.
Variant type: single nucleotide variant.
Coding change: c.2657C>T on transcript NM_007294.4 (MANE Select); coding-DNA position 2657, C replaced by T.
Protein change: p.Ser886Phe; replaces serine 886 with phenylalanine.
Molecular consequence: missense variant. On other transcripts: intron variant (137).
Genome position (GRCh38, 1-based): chr17:43,092,874, G>A on the plus strand (C>T on the coding strand, the complement: BRCA1 is on the minus strand). VCF-style: chr17-43092874-G-A. GRCh37 (hg19) VCF-style: chr17-41244891-G-A.
Other names: c.578-1842C>T (NM_001408489.1, NM_001408479.1, NM_001408481.1 and 9 more transcripts); c.2657C>T, p.Ser886Phe (NM_001407684.1, NM_007300.4, NM_001407581.1 and 30 more transcripts); c.2531C>T, p.Ser844Phe (NM_001407685.1, NM_001407690.1, NM_001407686.1 and 11 more transcripts); c.785-1842C>T (NM_001408473.1, NM_001408399.1, NM_001407984.1 and 13 more transcripts); c.662-1842C>T (NM_001408432.1, NM_001408445.1, NM_001408446.1 and 6 more transcripts); c.668-1842C>T (NM_001408431.1, NM_001408424.1, NM_001408421.1); c.1769C>T, p.Ser590Phe (NM_001407966.1, NM_001407967.1); c.2516C>T, p.Ser839Phe (NM_007297.4, NM_001407692.1, NM_001407694.1 and 29 more transcripts); and 41 more; short protein forms S815F, S819F, S839F, S845F, S860F, S883F, S886F, S590F.
Identifiers: ClinVar variation 3481909 (VCV003481909.1).